The following is an entry in ClinVar:

NM_020632.3(ATP6V0A4):c.1342G>A (p.Gly448Arg)

Gene: ATP6V0A4 (ATPase H+ transporting V0 subunit a4; minus strand). Cytogenetic location: 7q34.
Variant type: single nucleotide variant.
Coding change: c.1342G>A on transcript NM_020632.3 (MANE Select); coding-DNA position 1342, G replaced by A.
Protein change: p.Gly448Arg; replaces glycine 448 with arginine.
Molecular consequence: missense variant.
Genome position (GRCh38, 1-based): chr7:138,745,259, C>T on the plus strand (G>A on the coding strand, the complement: ATP6V0A4 is on the minus strand). VCF-style: chr7-138745259-C-T. GRCh37 (hg19) VCF-style: chr7-138430004-C-T.
Other names: c.1342G>A, p.Gly448Arg (NM_130840.3, NM_130841.3); short protein forms G448R.
Identifiers: ClinVar variation 2501240 (VCV002501240.1), dbSNP rs374533066, ClinGen allele CA4504793.

ClinVar aggregate classification (germline): Uncertain significance (1 of 4 stars; one submission).

Allele frequency attached by ClinVar (database versions not stated): gnomAD 0.00001; ExAC 0.00002; TOPMed 0.00003; ESP Exome Variant Server 0.00008.
gnomAD v4.1: 25 of 1,613,906 alleles (0.0015%); highest among the groups gnomAD compares: East Asian, 0.0022%; no homozygotes.

Submission:

Women's Health and Genetics/Laboratory Corporation of America, LabCorp
Classification: Uncertain significance. Last evaluated: 2023-03-31. Review status: criteria provided, single submitter. Criteria: LabCorp Variant Classification Summary - May 2015. Collection method: clinical testing. Allele origin: germline.
Comment: Variant summary: ATP6V0A4 c.1342G>A (p.Gly448Arg) results in a non-conservative amino acid change in the encoded protein sequence. Five of five in-silico tools predict a damaging effect of the variant on protein function. The variant allele was found at a frequency of 2e-05 in 251460 control chromosomes (gnomAD). The available data on variant occurrences in the general population are insufficient to allow any conclusion about variant significance. c.1342G>A has been reported in the literature in the compound heterozygous state in an individual affected with distal renal tubular acidosis (Palazzo_2017). This report does not provide unequivocal conclusions about association of the variant with autosomal recessive distal renal tubular acidosis. To our knowledge, no experimental evidence demonstrating an impact on protein function has been reported. No clinical diagnostic laboratories have submitted clinical-significance assessments for this variant to ClinVar after 2014. Based on the evidence outlined above, the variant was classified as uncertain significance.

Literature cited by the submitters: PubMed 28233610.